The following is an entry in ClinVar:

ClinVar aggregate classification (germline): Likely pathogenic (1 of 4 stars; one submission).

Submission:

GeneDx
Classification: Likely pathogenic. Last evaluated: 2024-12-31. Review status: criteria provided, single submitter. Criteria: GeneDx Variant Classification Process June 2021. Collection method: clinical testing. Allele origin: germline. Affected: yes.
Comment: Not observed at significant frequency in large population cohorts (gnomAD); In silico analysis indicates that this missense variant does not alter protein structure/function; This variant is associated with the following publications: (PMID: 30185235)

NM_006516.4(SLC2A1):c.296T>G (p.Met99Arg)

Gene: SLC2A1 (solute carrier family 2 member 1; minus strand). Cytogenetic location: 1p34.2.
Variant type: single nucleotide variant.
Coding change: c.296T>G on transcript NM_006516.4 (MANE Select); coding-DNA position 296, T replaced by G.
Protein change: p.Met99Arg; replaces methionine 99 with arginine.
Molecular consequence: missense variant.
Genome position (GRCh38, 1-based): chr1:42,930,846, A>C on the plus strand (T>G on the coding strand, the complement: SLC2A1 is on the minus strand). VCF-style: chr1-42930846-A-C. GRCh37 (hg19) VCF-style: chr1-43396517-A-C.
Other names: short protein forms M99R.
Identifiers: ClinVar variation 2507237 (VCV002507237.2), dbSNP rs2524998344, ClinGen allele CA339961367.
Genomic context (GRCh38, chr1:42,930,846, plus strand): 5'-AAGGACTTGCCCAGTTTCGAGAAGCCCATGAGCACGGCGGACACGAAGGCCAGCAGGTTC[A>C]TCATCAGCATTGAATTCCGCCTGGGGACGGGGTCACAGGTCAGGCCAGTGCCCACATTCC-3'
Protein context (NP_006507.2, residues 89-109): RFGRRNSMLM[Met99Arg]NLLAFVSAVL